The following is an entry in ClinVar:

ClinVar aggregate classification (germline): Uncertain significance (1 of 4 stars; one submission).

Submission:

Labcorp Genetics (formerly Invitae), Labcorp
Classification: Uncertain significance. Last evaluated: 2024-10-24. Review status: criteria provided, single submitter. Criteria: Invitae Variant Classification Sherloc (09022015). Collection method: clinical testing. Allele origin: germline.
Comment: This sequence change results in a frameshift in the ESR2 gene (p.Gln528Valfs*18). While this is not anticipated to result in nonsense mediated decay, it is expected to disrupt the last 3 amino acid(s) of the ESR2 protein and extend the protein by 14 additional amino acid residues. This variant is present in population databases (rs779856508, gnomAD 0.02%). This variant has not been reported in the literature in individuals affected with ESR2-related conditions. Experimental studies and prediction algorithms are not available or were not evaluated, and the functional significance of this variant is currently unknown. Algorithms developed to predict the effect of sequence changes on RNA splicing suggest that this variant may create or strengthen a splice site. In summary, the available evidence is currently insufficient to determine the role of this variant in disease. Therefore, it has been classified as a Variant of Uncertain Significance.

NM_001437.3(ESR2):c.1582_1583del (p.Gln528fs)

Gene: ESR2 (estrogen receptor 2; minus strand). Cytogenetic location: 14q23.2.
Variant type: Microsatellite.
Coding change: c.1582_1583del on transcript NM_001437.3 (MANE Select); coding-DNA positions 1582 to 1583, 2 bases deleted (CA; older notation c.1582_1583delCA).
Protein change: p.Gln528fs; shifts the reading frame from glutamine 528.
Molecular consequence: frameshift variant. On other transcripts: non-coding transcript variant (1), intron variant (5).
Genome position (GRCh38, 1-based): chr14:64,233,147-64,233,148, TG deleted on the plus strand (CA on the coding strand, the reverse complement: ESR2 is on the minus strand); deleting any 2 consecutive bases within chr14:64,233,147-64,233,150 gives the same sequence; the c. name uses the placement nearest the transcript's 3' end. VCF-style (leftmost placement, unchanged base first): chr14-64233146-CTG-C. GRCh37 (hg19) VCF-style: chr14-64699864-CTG-C.
Other names: c.1309_1310del, p.Gln437fs (NM_001271877.1); c.1406+1822_1406+1823del (NM_001291712.2, NM_001291723.1, NM_001040275.1 and 2 more transcripts); short protein forms Q528fs, Q437fs.
Identifiers: ClinVar variation 2173487 (VCV002173487.4), dbSNP rs779856508, ClinGen allele CA7225130.